The following is an entry in ClinVar:

ClinVar aggregate classification (germline): Uncertain significance (1 of 4 stars; one submission).

Allele frequency attached by ClinVar (database versions not stated): gnomAD exomes below 0.00001; gnomAD 0.00001; TOPMed 0.00001.
gnomAD v4.1: 4 of 1,613,440 alleles (0.00025%); highest among the groups gnomAD compares: African/African-American, 0.0013%; no homozygotes.

Submission:

Women's Health and Genetics/Laboratory Corporation of America, LabCorp
Classification: Uncertain significance. Last evaluated: 2024-02-23. Review status: criteria provided, single submitter. Criteria: LabCorp Variant Classification Summary - May 2015. Collection method: clinical testing. Allele origin: germline.
Comment: Variant summary: COX15 c.1114T>C (p.Phe372Leu) results in a non-conservative amino acid change in the encoded protein sequence. Four of five in-silico tools predict a benign effect of the variant on protein function. The variant allele was found at a frequency of 4e-06 in 247566 control chromosomes. The available data on variant occurrences in the general population are insufficient to allow any conclusion about variant significance. To our knowledge, no occurrence of c.1114T>C in individuals affected with Leigh Syndrome and no experimental evidence demonstrating its impact on protein function have been reported. No submitters have cited clinical-significance assessments for this variant to ClinVar. Based on the evidence outlined above, the variant was classified as uncertain significance.

NM_078470.6(COX15):c.*1120T>C

Gene: COX15 (cytochrome c oxidase assembly homolog COX15; minus strand). Cytogenetic location: 10q24.2.
Variant type: single nucleotide variant.
Coding change: c.*1120T>C on transcript NM_078470.6 (MANE Select); 1120 bases downstream of the stop codon, T replaced by C.
Molecular consequence: 3 prime UTR variant. On other transcripts: missense variant (1), non-coding transcript variant (1), intron variant (1).
Genome position (GRCh38, 1-based): chr10:99,713,467, A>G on the plus strand (T>C on the coding strand, the complement: COX15 is on the minus strand). VCF-style: chr10-99713467-A-G. GRCh37 (hg19) VCF-style: chr10-101473224-A-G.
Other names: c.*1301T>C (NM_001320975.2); c.*1120T>C (NM_001320976.2, NM_001372025.1, NM_001372026.1); c.*339T>C (NM_001372024.1); c.*1224T>C (NM_001372027.1); c.*547T>C (NM_001372028.1); c.1114T>C, p.Phe372Leu (NM_004376.7); c.1101+2881T>C (NM_001320974.2); short protein forms F372L.
Identifiers: ClinVar variation 3069026 (VCV003069026.2), dbSNP rs1452740270, ClinGen allele CA378101160.